The following is an entry in ClinVar:

ClinVar aggregate classification (germline): Uncertain significance. Review status: criteria provided, multiple submitters, no conflicts (2 of 4 stars). 3 submissions from 3 submitters: Uncertain significance (3). Last evaluated 2025-12-02.

Conditions:
Hereditary sensory and autonomic neuropathy type 6. Also called: Neuropathy, hereditary sensory and autonomic, type VI; HSAN VI. Identifiers: Orphanet 314381, MedGen C3539003, MONDO:0013839, OMIM 614653.
Epidermolysis bullosa simplex 3, localized or generalized intermediate, with BP230 deficiency (EBS3). Also called: Epidermolysis bullosa simplex due to BP230 deficiency; Epidermolysis bullosa simplex, autosomal recessive 2. Identifiers: Orphanet 412181, MedGen C3809470, MONDO:0014180, OMIM 615425.

Allele frequency attached by ClinVar (database versions not stated): gnomAD exomes 0.00003 and 0.00004; ExAC 0.00005; ESP Exome Variant Server 0.00008; TOPMed 0.00003; gnomAD 0.00004.
gnomAD v4.1: 43 of 1,614,002 alleles (0.0027%); highest among the groups gnomAD compares: South Asian, 0.0088%; no homozygotes.

Submissions (3):

GeneDx
Classification: Uncertain significance. Last evaluated: 2025-12-02. Review status: criteria provided, single submitter. Criteria: GeneDx Variant Classification Process June 2021. Collection method: clinical testing. Allele origin: germline.
Comment: Nonsense variant predicted to result in protein truncation as the last 132 amino acid(s) are lost; Has not been previously published as pathogenic or benign to our knowledge; Reported using the transcript encoding the epithelial isoform of the gene

Labcorp Genetics (formerly Invitae), Labcorp
Classification: Uncertain significance for Epidermolysis bullosa simplex 3, localized or generalized intermediate, with BP230 deficiency; Hereditary sensory and autonomic neuropathy type 6. Last evaluated: 2024-11-11. Review status: criteria provided, single submitter. Criteria: Invitae Variant Classification Sherloc (09022015). Collection method: clinical testing. Allele origin: germline.
Comment: This sequence change creates a premature translational stop signal (p.Arg2518*) in the DST gene. While this is not anticipated to result in nonsense mediated decay, it is expected to disrupt the last 132 amino acid(s) of the DST protein. This variant is present in population databases (rs201023684, gnomAD 0.01%). This variant has not been reported in the literature in individuals affected with DST-related conditions. ClinVar contains an entry for this variant (Variation ID: 1000475). Experimental studies and prediction algorithms are not available or were not evaluated, and the functional significance of this variant is currently unknown. In summary, the available evidence is currently insufficient to determine the role of this variant in disease. Therefore, it has been classified as a Variant of Uncertain Significance.

Department of Pathology and Laboratory Medicine, Sinai Health System
Classification: Uncertain significance for hereditary sensory and autonomic neuropathy type 6. Last evaluated: 2022-10-03. Review status: criteria provided, single submitter. Criteria: ACMG Guidelines, 2015. Collection method: research. Allele origin: germline.

NM_001723.7(DST):c.7552C>T (p.Arg2518Ter)

Gene: DST (dystonin; minus strand). Cytogenetic location: 6p12.1.
Variant type: single nucleotide variant.
Coding change: c.7552C>T on transcript NM_001723.7 (MANE Plus Clinical); coding-DNA position 7552, C replaced by T.
Protein change: p.Arg2518Ter; replaces arginine 2518 with a stop codon.
Molecular consequence: nonsense. On other transcripts: intron variant (10).
Genome position (GRCh38, 1-based): chr6:56,615,915, G>A on the plus strand (C>T on the coding strand, the complement: DST is on the minus strand). VCF-style: chr6-56615915-G-A. GRCh37 (hg19) VCF-style: chr6-56480713-G-A.
Other names: c.4831-1431C>T (NM_001144769.5); c.4930-1431C>T (NM_001374722.1, NM_001374736.1); c.4957-1431C>T (NM_001374734.1); c.4417-1431C>T (NM_001144770.2); c.4297-1431C>T (NM_001374730.1, NM_001386100.1, NM_183380.4 and 1 more transcripts); c.3319-1431C>T (NM_015548.5); short protein forms R2518*.
Identifiers: ClinVar variation 1000475 (VCV001000475.8), dbSNP rs201023684, ClinGen allele CA3869938.
Genomic context (GRCh38, chr6:56,615,915, plus strand): 5'-CTGACATCATTTTGTTAGTGATGGGATGGCCAATCCCTGTGATTACTAATTCACACTGTC[G>A]CAGCTGCTGGGCAAACCCCTCATCAACCAGGCCTCTATGCAAAGCTTCGGCCACCCGGTA-3'